The following is an entry in ClinVar:

ClinVar aggregate classification (germline): Uncertain significance (1 of 4 stars; one submission).

Conditions:
Low phospholipid associated cholelithiasis (GBD1). Also called: Gallbladder disease 1; Gallstone cholecystitis. Identifiers: Orphanet 69663, MedGen C2609268, MONDO:0010939, OMIM 600803.

gnomAD v4.1: 2 of 1,614,094 alleles (0.00012%); highest among the groups gnomAD compares: Non-Finnish European, 0.000085%; no homozygotes.

Submission:

Genomenon, Inc
Classification: Uncertain significance for Low phospholipid associated cholelithiasis. Last evaluated: 2026-04-14. Review status: criteria provided, single submitter. Criteria: Genomenon Sequence Variant Interpretation Standards - Updated. Collection method: curation. Allele origin: germline. Affected: yes.
Comment: ABCB4 p.Ala562Val (c.1685C>T) is a missense variant that changes the amino acid at residue 562 from Alanine to Valine. This variant has been observed in at least one proband with an ABCB4-related disorder (PMID:23426229). It is absent or not present at a significant frequency in gnomAD. In silico models predict that this variant is possibly or probably damaging. In conclusion, we classify ABCB4 p.Ala562Val (c.1685C>T) as a variant of uncertain significance.

Literature cited by the submitters: PubMed 23426229.

NM_000443.4(ABCB4):c.1685C>T (p.Ala562Val)

Gene: ABCB4 (ATP binding cassette subfamily B member 4; minus strand). Cytogenetic location: 7q21.12.
Variant type: single nucleotide variant.
Coding change: c.1685C>T on transcript NM_000443.4 (MANE Select); coding-DNA position 1685, C replaced by T.
Protein change: p.Ala562Val; replaces alanine 562 with valine.
Molecular consequence: missense variant.
Genome position (GRCh38, 1-based): chr7:87,439,713, G>A on the plus strand (C>T on the coding strand, the complement: ABCB4 is on the minus strand). VCF-style: chr7-87439713-G-A. GRCh37 (hg19) VCF-style: chr7-87069029-G-A.
Other names: c.1685C>T, p.Ala562Val (NM_018849.3, NM_018850.3); short protein forms A562V.
Identifiers: ClinVar variation 4846400 (VCV004846400.1).
Genomic context (GRCh38, chr7:87,439,713, plus strand): 5'-TAGAGTCTACTGACCTTATCCAGAGCTGCCTGTACCTCAGCTTCACTTTCTGTGTCCAAT[G>A]CTGACGTGGCCTCATCCAGCAGAAGGATCTTGGGGTTGCGAACCAGGGCACGTGCAATGG-3'
Protein context (NP_000434.1, residues 552-572): KILLLDEATS[Ala562Val]LDTESEAEVQ